The following is an entry in ClinVar:

ClinVar aggregate classification (germline): Uncertain significance (1 of 4 stars; one submission).

Allele frequency attached by ClinVar (database versions not stated): gnomAD exomes below 0.00001.
gnomAD v4.1: 1 of 1,614,042 alleles (0.000062%); highest among the groups gnomAD compares: Non-Finnish European, 0.000085%; no homozygotes.

Submission:

GeneDx
Classification: Uncertain significance. Last evaluated: 2022-11-22. Review status: criteria provided, single submitter. Criteria: GeneDx Variant Classification Process June 2021. Collection method: clinical testing. Allele origin: germline. Affected: yes.
Comment: Not observed at significant frequency in large population cohorts (gnomAD); In silico analysis supports that this missense variant does not alter protein structure/function; Has not been previously published as pathogenic or benign to our knowledge

NM_000384.3(APOB):c.10810G>T (p.Ala3604Ser)

Gene: APOB (apolipoprotein B; minus strand). Cytogenetic location: 2p24.1.
Variant type: single nucleotide variant.
Coding change: c.10810G>T on transcript NM_000384.3 (MANE Select); coding-DNA position 10810, G replaced by T.
Protein change: p.Ala3604Ser; replaces alanine 3604 with serine.
Molecular consequence: missense variant.
Genome position (GRCh38, 1-based): chr2:21,006,058, C>A on the plus strand (G>T on the coding strand, the complement: APOB is on the minus strand). VCF-style: chr2-21006058-C-A. GRCh37 (hg19) VCF-style: chr2-21228930-C-A.
Other names: short protein forms A3604S.
Identifiers: ClinVar variation 2502583 (VCV002502583.1), dbSNP rs2465358561, ClinGen allele CA345984933.